The following is an entry in ClinVar:

NM_000393.5(COL5A2):c.1770G>A (p.Leu590=)

Gene: COL5A2 (collagen type V alpha 2 chain; minus strand). Cytogenetic location: 2q32.2.
Variant type: single nucleotide variant.
Coding change: c.1770G>A on transcript NM_000393.5 (MANE Select); coding-DNA position 1770, G replaced by A.
Protein change: p.Leu590=; no amino-acid change (leucine 590 retained).
Molecular consequence: synonymous variant.
Genome position (GRCh38, 1-based): chr2:189,063,980, C>T on the plus strand (G>A on the coding strand, the complement: COL5A2 is on the minus strand). VCF-style: chr2-189063980-C-T. GRCh37 (hg19) VCF-style: chr2-189928706-C-T.
Identifiers: ClinVar variation 2116409 (VCV002116409.4), dbSNP rs1686089713, ClinGen allele CA430325504.

ClinVar aggregate classification (germline): Uncertain significance (1 of 4 stars; one submission).

Conditions:
Ehlers-Danlos syndrome, classic type, 1 (EDSCL1). Also called: EHLERS-DANLOS SYNDROME, GRAVIS TYPE; EHLERS-DANLOS SYNDROME, SEVERE CLASSIC TYPE; Ehlers-Danlos syndrome, type 1; EDS I; Ehlers-Danlos Syndrome, Classic Type, COL5A1-Related. Identifiers: MedGen C0268335, MONDO:0019567, OMIM 130000.

Allele frequency attached by ClinVar (database versions not stated): gnomAD exomes 0.00001.
gnomAD v4.1: 7 of 1,612,134 alleles (0.00043%); highest among the groups gnomAD compares: Non-Finnish European, 0.00059%; no homozygotes.

Submission:

Labcorp Genetics (formerly Invitae), Labcorp
Classification: Uncertain significance for Ehlers-Danlos syndrome, classic type, 1. Last evaluated: 2022-03-24. Review status: criteria provided, single submitter. Criteria: Invitae Variant Classification Sherloc (09022015). Collection method: clinical testing. Allele origin: germline.
Comment: In summary, the available evidence is currently insufficient to determine the role of this variant in disease. Therefore, it has been classified as a Variant of Uncertain Significance. Variants that disrupt the consensus splice site are a relatively common cause of aberrant splicing (PMID: 17576681, 9536098). Algorithms developed to predict the effect of sequence changes on RNA splicing suggest that this variant is not likely to affect RNA splicing. This variant has not been reported in the literature in individuals affected with COL5A2-related conditions. This variant is not present in population databases (gnomAD no frequency). This sequence change affects codon 590 of the COL5A2 mRNA. It is a 'silent' change, meaning that it does not change the encoded amino acid sequence of the COL5A2 protein. This variant also falls at the last nucleotide of exon 26, which is part of the consensus splice site for this exon.

Literature cited by the submitters: PubMed 17576681; PubMed 9536098.